The following is an entry in ClinVar:

ClinVar aggregate classification (germline): Likely benign (0 of 4 stars; one submission).

Conditions:
MAP1B-related disorder. Also called: MAP1B-related condition.

Allele frequency attached by ClinVar (database versions not stated): gnomAD exomes 0.00002; ExAC 0.00010; 1000 Genomes Project 30x 0.00016; gnomAD 0.00023; TOPMed 0.00031; 1000 Genomes Project 0.00060.

Submission:

PreventionGenetics, part of Exact Sciences
Classification: Likely benign for MAP1B-related condition. Last evaluated: 2023-02-03. Review status: no assertion criteria provided. Collection method: clinical testing. Allele origin: germline.
Comment: This variant is classified as likely benign based on ACMG/AMP sequence variant interpretation guidelines (Richards et al. 2015 PMID: 25741868, with internal and published modifications).

NM_005909.5(MAP1B):c.1869G>A (p.Lys623=)

Gene: MAP1B (microtubule associated protein 1B; plus strand). Cytogenetic location: 5q13.2.
Variant type: single nucleotide variant.
Coding change: c.1869G>A on transcript NM_005909.5 (MANE Select); coding-DNA position 1869, G replaced by A.
Protein change: p.Lys623=; no amino-acid change (lysine 623 retained).
Molecular consequence: synonymous variant.
Genome position (GRCh38, 1-based): chr5:72,195,224, G>A. VCF-style: chr5-72195224-G-A. GRCh37 (hg19) VCF-style: chr5-71491051-G-A.
Other names: c.1491G>A, p.Lys497= (NM_001324255.2).
Identifiers: ClinVar variation 3036062 (VCV003036062.2), dbSNP rs112911289, ClinGen allele CA3298750.